The following is an entry in ClinVar:

NM_025074.7(FRAS1):c.6379del (p.Leu2127fs)

Gene: FRAS1 (Fraser extracellular matrix complex subunit 1; plus strand). Cytogenetic location: 4q21.21.
Variant type: Deletion.
Coding change: c.6379del on transcript NM_025074.7 (MANE Select); coding-DNA position 6379, one base deleted (C; older notation c.6379delC).
Protein change: p.Leu2127fs; shifts the reading frame from leucine 2127.
Molecular consequence: frameshift variant.
Genome position (GRCh38, 1-based): chr4:78,450,255, C deleted; the last of 2 consecutive C bases (chr4:78,450,254-78,450,255); deleting either gives the same sequence. VCF-style (leftmost placement, unchanged base first): chr4-78450253-GC-G. GRCh37 (hg19) VCF-style: chr4-79371407-GC-G.
Other names: short protein forms L2127fs.
Identifiers: ClinVar variation 2756386 (VCV002756386.3), dbSNP rs2477231116, ClinGen allele CA2578123989.

ClinVar aggregate classification (germline): Pathogenic (1 of 4 stars; one submission).

Submission:

Labcorp Genetics (formerly Invitae), Labcorp
Classification: Pathogenic. Last evaluated: 2023-08-29. Review status: criteria provided, single submitter. Criteria: Invitae Variant Classification Sherloc (09022015). Collection method: clinical testing. Allele origin: germline.
Comment: For these reasons, this variant has been classified as Pathogenic. This variant has not been reported in the literature in individuals affected with FRAS1-related conditions. This variant is not present in population databases (gnomAD no frequency). This sequence change creates a premature translational stop signal (p.Leu2127Cysfs*3) in the FRAS1 gene. It is expected to result in an absent or disrupted protein product. Loss-of-function variants in FRAS1 are known to be pathogenic (PMID: 12766769, 18671281).

Literature cited by the submitters: PubMed 12766769; PubMed 18671281.